The following is an entry in ClinVar:

NM_021615.5(CHST6):c.518T>C (p.Leu173Pro)

Gene: CHST6 (carbohydrate sulfotransferase 6; minus strand). Cytogenetic location: 16q23.1.
Variant type: single nucleotide variant.
Coding change: c.518T>C on transcript NM_021615.5 (MANE Select); coding-DNA position 518, T replaced by C.
Protein change: p.Leu173Pro; replaces leucine 173 with proline.
Molecular consequence: missense variant.
Genome position (GRCh38, 1-based): chr16:75,479,311, A>G on the plus strand (T>C on the coding strand, the complement: CHST6 is on the minus strand). VCF-style: chr16-75479311-A-G. GRCh37 (hg19) VCF-style: chr16-75513209-A-G.
Other names: short protein forms L173P.
Identifiers: ClinVar variation 1058782 (VCV001058782.9), dbSNP rs763075517, ClinGen allele CA8175474.

ClinVar aggregate classification (germline): Uncertain significance (1 of 4 stars; one submission).

Conditions:
Macular corneal dystrophy (MCD). Also called: Macular corneal dystrophy Type I; GROENOUW TYPE II CORNEAL DYSTROPHY. Identifiers: Orphanet 98969, MedGen C1636149, MONDO:0009020, OMIM 217800.

Allele frequency attached by ClinVar (database versions not stated): ExAC 0.00001; gnomAD 0.00001; gnomAD exomes 0.00001 and 0.00002; TOPMed 0.00001.
gnomAD v4.1: 4 of 1,613,050 alleles (0.00025%); highest among the groups gnomAD compares: Admixed American, 0.0067%; no homozygotes.

Submission:

Labcorp Genetics (formerly Invitae), Labcorp
Classification: Uncertain significance for Macular corneal dystrophy. Last evaluated: 2020-07-16. Review status: criteria provided, single submitter. Criteria: Invitae Variant Classification Sherloc (09022015). Collection method: clinical testing. Allele origin: germline.
Comment: This variant has been observed in individual(s) with macular corneal dystrophy (PMID: 17896316). The frequency data for this variant in the population databases is considered unreliable, as metrics indicate poor data quality at this position in the ExAC database. This sequence change replaces leucine with proline at codon 173 of the CHST6 protein (p.Leu173Pro). The leucine residue is moderately conserved and there is a moderate physicochemical difference between leucine and proline. Algorithms developed to predict the effect of missense changes on protein structure and function (SIFT, PolyPhen-2, Align-GVGD) all suggest that this variant is likely to be disruptive, but these predictions have not been confirmed by published functional studies and their clinical significance is uncertain. This variant disrupts the p.Leu173 amino acid residue in CHST6. Other variant(s) that disrupt this residue have been observed in individuals with CHST6-related conditions (PMID: 18500531), which suggests that this may be a clinically significant amino acid residue. In summary, the available evidence is currently insufficient to determine the role of this variant in disease. Therefore, it has been classified as a Variant of Uncertain Significance.

Literature cited by the submitters: PubMed 17896316; PubMed 18500531.